The following is an entry in ClinVar:

NM_001146.5(ANGPT1):c.1336+4A>G

Gene: ANGPT1 (angiopoietin 1; minus strand). Cytogenetic location: 8q23.1.
Variant type: single nucleotide variant.
Coding change: c.1336+4A>G on transcript NM_001146.5 (MANE Select); 4 bases into the intron after coding-DNA position 1336, A replaced by G.
Molecular consequence: intron variant.
Genome position (GRCh38, 1-based): chr8:107,264,217, T>C on the plus strand (A>G on the coding strand, the complement: ANGPT1 is on the minus strand). VCF-style: chr8-107264217-T-C. GRCh37 (hg19) VCF-style: chr8-108276445-T-C.
Other names: c.1333+4A>G (NM_001199859.3); c.736+4A>G (NM_001314051.2).
Identifiers: ClinVar variation 1490314 (VCV001490314.6), dbSNP rs2130036507, ClinGen allele CA2573142842.

ClinVar aggregate classification (germline): Uncertain significance (1 of 4 stars; one submission).

Submission:

Labcorp Genetics (formerly Invitae), Labcorp
Classification: Uncertain significance. Last evaluated: 2022-02-03. Review status: criteria provided, single submitter. Criteria: Invitae Variant Classification Sherloc (09022015). Collection method: clinical testing. Allele origin: germline.
Comment: This sequence change falls in intron 8 of the ANGPT1 gene. It does not directly change the encoded amino acid sequence of the ANGPT1 protein. It affects a nucleotide within the consensus splice site. This variant is not present in population databases (gnomAD no frequency). This variant has not been reported in the literature in individuals affected with ANGPT1-related conditions. Variants that disrupt the consensus splice site are a relatively common cause of aberrant splicing (PMID: 17576681, 9536098). Algorithms developed to predict the effect of sequence changes on RNA splicing suggest that this variant is not likely to affect RNA splicing. In summary, the available evidence is currently insufficient to determine the role of this variant in disease. Therefore, it has been classified as a Variant of Uncertain Significance.

Literature cited by the submitters: PubMed 17576681; PubMed 9536098.